The following is an entry in ClinVar:

ClinVar aggregate classification (germline): Uncertain significance (1 of 4 stars; one submission).

Submission:

Dasa
Classification: Uncertain significance. Last evaluated: 2026-05-21. Review status: criteria provided, single submitter. Criteria: DASA Assertion Criteria. Collection method: clinical testing. Allele origin: germline.
Comment: NM_003128.3(SPTBN1):c.4043A>G (p.Glu1348Gly) is a missense variant that results in the substitution of glutamic acid with glycine. This variant is rare in population databases. The currently available literature and clinical evidence are not sufficient to establish a definitive association between this variant and the reported condition. Therefore, this variant is classified as a variant of uncertain significance.

NM_003128.3(SPTBN1):c.4043A>G (p.Glu1348Gly)

Gene: SPTBN1 (spectrin beta, non-erythrocytic 1; plus strand). Cytogenetic location: 2p16.2.
Variant type: single nucleotide variant.
Coding change: c.4043A>G on transcript NM_003128.3 (MANE Select); coding-DNA position 4043, A replaced by G.
Protein change: p.Glu1348Gly; replaces glutamic acid 1348 with glycine.
Molecular consequence: missense variant.
Genome position (GRCh38, 1-based): chr2:54,644,360, A>G. VCF-style: chr2-54644360-A-G. GRCh37 (hg19) VCF-style: chr2-54871497-A-G.
Other names: c.4004A>G, p.Glu1335Gly (NM_178313.3); short protein forms E1335G, E1348G.
Identifiers: ClinVar variation 5020509 (VCV005020509.1).
Genomic context (GRCh38, chr2:54,644,360, plus strand): 5'-ACCATGTTGGTTTTGTTTTCCAGGAAGGAATGCAGCTCATTTCAGAAAAGCCTGAGACGG[A>G]AGCTGTGGTGAAGGAGAAACTCACTGGTTTACATAAAATGTGGGAAGTCCTTGAATCCAC-3'
Protein context (NP_003119.2, residues 1338-1358): MQLISEKPET[Glu1348Gly]AVVKEKLTGL